The following is an entry in ClinVar:

ClinVar aggregate classification (germline): Likely benign. Review status: criteria provided, single submitter (1 of 4 stars). 2 submissions from 2 submitters: Likely benign (1). 1 of the submissions does not count toward it. Last evaluated 2023-02-01.

Conditions:
EP300-related disorder. Also called: EP300-related condition; EP300-related disorders.

Allele frequency attached by ClinVar (database versions not stated): gnomAD exomes 0.00001.
gnomAD v4.1: 6 of 1,603,742 alleles (0.00037%); highest among the groups gnomAD compares: Non-Finnish European, 0.00043%; no homozygotes.

Submissions (2):

CeGaT Center for Human Genetics Tuebingen
Classification: Likely benign. Last evaluated: 2023-02-01. Review status: criteria provided, single submitter. Criteria: CeGaT Center For Human Genetics Tuebingen Variant Classification Criteria Version 2. Collection method: clinical testing. Allele origin: germline. Affected: yes. Observed: 2 variant alleles.
Comment: EP300: BP4, BP7

PreventionGenetics, part of Exact Sciences
Classification: Likely benign for EP300-related condition. Last evaluated: 2019-07-25. Review status: no assertion criteria provided. Collection method: clinical testing. Allele origin: germline. Not counted in ClinVar's aggregate classification.
Comment: This variant is classified as likely benign based on ACMG/AMP sequence variant interpretation guidelines (Richards et al. 2015 PMID: 25741868, with internal and published modifications).

NM_001429.4(EP300):c.2232T>G (p.Ala744=)

Gene: EP300 (EP300 lysine acetyltransferase; plus strand). Cytogenetic location: 22q13.2.
Variant type: single nucleotide variant.
Coding change: c.2232T>G on transcript NM_001429.4 (MANE Select); coding-DNA position 2232, T replaced by G.
Protein change: p.Ala744=; no amino-acid change (alanine 744 retained).
Molecular consequence: synonymous variant.
Genome position (GRCh38, 1-based): chr22:41,147,937, T>G. VCF-style: chr22-41147937-T-G. GRCh37 (hg19) VCF-style: chr22-41543941-T-G.
Other names: c.2154T>G, p.Ala718= (NM_001362843.2); c.2232T>G (NM_001429.3).
Identifiers: ClinVar variation 2653199 (VCV002653199.25), dbSNP rs1354973424, ClinGen allele CA514640596.
Genomic context (GRCh38, chr22:41,147,937, plus strand): 5'-TATTGTACCCCGGCAAACCCCTCCTCTTCAGCACCATGGACAGTTGGCTCAACCTGGAGC[T>G]CTCAACCCGGTTAGTTTGACGTCTTTGGTAATCTCTTTGGCCTTTACCTGGTATTTTGAA-3'
Protein context (NP_001420.2, residues 734-754): QHHGQLAQPG[Ala744=]LNPPMGYGPR